The following is an entry in ClinVar:

ClinVar aggregate classification (germline): Conflicting classifications of pathogenicity. Review status: criteria provided, conflicting classifications (1 of 4 stars). 10 submissions from 10 submitters: Uncertain significance (5); Likely benign (4). 1 of the submissions does not count toward it. Last evaluated 2026-01-28.

Conditions:
Cardiovascular phenotype. Identifiers: MedGen CN230736.
Dilated cardiomyopathy 1DD (CMD1DD). Identifiers: Orphanet 154, MedGen C2750995, MONDO:0013168, OMIM 613172.

Allele frequency attached by ClinVar (database versions not stated): gnomAD exomes 0.00006; TOPMed 0.00011; gnomAD 0.00015 and 0.00016.
gnomAD v4.1: 209 of 1,551,556 alleles (0.013%); highest among the groups gnomAD compares: Non-Finnish European, 0.017%; no homozygotes.

Submissions (10):

Labcorp Genetics (formerly Invitae), Labcorp
Classification: Likely benign for Dilated cardiomyopathy 1DD. Last evaluated: 2026-01-28. Review status: criteria provided, single submitter. Criteria: Invitae Variant Classification Sherloc (09022015). Collection method: clinical testing. Allele origin: germline.

Women's Health and Genetics/Laboratory Corporation of America, LabCorp
Classification: Likely benign. Last evaluated: 2025-07-28. Review status: criteria provided, single submitter. Criteria: LabCorp Variant Classification Summary - May 2015. Collection method: clinical testing. Allele origin: germline.
Comment: Variant summary: RBM20 c.2014G>A (p.Gly672Ser) results in a non-conservative amino acid change in the encoded protein sequence. Algorithms developed to predict the effect of missense changes on protein structure and function are either unavailable or do not agree on the potential impact of this missense change. The variant allele was found at a frequency of 5.4e-05 in 186630 control chromosomes. The observed variant frequency is more than the estimated maximal expected allele frequency for a pathogenic variant in RBM20 causing Dilated Cardiomyopathy phenotype (4.7e-05). To our knowledge, no experimental evidence demonstrating its impact on protein function has been reported. ClinVar contains an entry for this variant (Variation ID: 180478). Based on the evidence outlined above, the variant was classified as likely benign.

ARUP Laboratories, Molecular Genetics and Genomics, ARUP Laboratories
Classification: Uncertain significance for Dilated cardiomyopathy 1DD. Last evaluated: 2024-11-20. Review status: criteria provided, single submitter. Criteria: ARUP Molecular Germline Variant Investigation Process 2024. Collection method: clinical testing. Allele origin: germline.
Comment: The RBM20 c.2014G>A; p.Gly672Ser variant (rs730880182, ClinVar Variation ID: 180478), is reported in the literature in one individuals affected with dilated cardiomyopathy, but is presented without additional evidence of causality (McGurk 2023). This variant is found in the non-Finnish European population with an allele frequency of 0.012% (9/75366 alleles) in the Genome Aggregation Database (v2.1.1). Computational analyses are uncertain whether this variant is neutral or deleterious (REVEL: 0.223). Due to limited information, the clinical significance of this variant is uncertain at this time. References: McGurk KA et al. The penetrance of rare variants in cardiomyopathy-associated genes: A cross-sectional approach to estimating penetrance for secondary findings. Am J Hum Genet. 2023 Sep 7;110(9):1482-1495. PMID: 37652022

Blueprint Genetics
Classification: Likely benign. Last evaluated: 2024-09-20. Review status: criteria provided, single submitter. Criteria: ACMG Guidelines, 2015. Collection method: clinical testing. Allele origin: germline.

GeneDx
Classification: Uncertain significance. Last evaluated: 2024-07-18. Review status: criteria provided, single submitter. Criteria: GeneDx Variant Classification Process June 2021. Collection method: clinical testing. Allele origin: germline. Affected: yes.
Comment: Identified in patients with cardiomyopathy, including HCM, DCM, and ARVC, in published literature; several patients harbored additional cardiogenetic variants (PMID: 25351510, 37652022, 30847666); In silico analysis supports that this missense variant has a deleterious effect on protein structure/function; This variant is associated with the following publications: (PMID: 25351510, 37652022, 30847666)

Mayo Clinic Laboratories, Mayo Clinic
Classification: Uncertain significance. Last evaluated: 2022-08-18. Review status: criteria provided, single submitter. Criteria: ACMG Guidelines, 2015. Collection method: clinical testing. Allele origin: germline. Observed: 2 variant alleles.
Comment: BP4

Victorian Clinical Genetics Services, Murdoch Childrens Research Institute
Classification: Uncertain significance for Dilated cardiomyopathy 1DD. Last evaluated: 2022-02-02. Review status: criteria provided, single submitter. Criteria: ACMG Guidelines, 2015. Collection method: clinical testing. Allele origin: germline. Inheritance: Autosomal dominant inheritance. Affected: yes.
Comment: Based on the classification scheme VCGS_Germline_v1.3.4, this variant is classified as VUS-3C. Following criteria are met: 0102 - Loss of function is a known mechanism of disease in this gene and is associated with dilated cardiomyopathy, 1DD (MIM#613172). (I) 0107 - This gene is associated with autosomal dominant disease. (I) 0200 - Variant is predicted to result in a missense amino acid change from glycine to serine. (I) 0251 - This variant is heterozygous. (I) 0302 - Variant is present in gnomAD (v3) <0.001 for a dominant condition (22 heterozygotes, 0 homozygotes). (SP) 0504 - Same amino acid change has been observed in placental mammals. (SB) 0604 - Variant is not located in an established domain, motif, hotspot or informative constraint region. (I) 0705 - No comparable missense variants have previous evidence for pathogenicity. (I) 0809 - Previous evidence of pathogenicity for this variant is inconclusive. This variant has been classified as a VUS in the literature and by multiple clinical diagnostic labs (PMID: 30847666; ClinVar). (I) 0905 - No published segregation evidence has been identified for this variant. (I) 1007 - No published functional evidence has been identified for this variant. (I) 1208 - Inheritance information for this variant is not currently available in this individual. (I) Legend: (SP) - Supporting pathogenic, (I) - Information, (SB) - Supporting benign

Ambry Genetics
Classification: Likely benign for Cardiovascular phenotype. Last evaluated: 2021-12-21. Review status: criteria provided, single submitter. Criteria: Ambry Variant Classification Scheme 2023. Collection method: clinical testing. Allele origin: germline.

Fulgent Genetics
Classification: Uncertain significance for Dilated cardiomyopathy 1DD. Last evaluated: 2021-08-19. Review status: criteria provided, single submitter. Criteria: ACMG Guidelines, 2015. Collection method: clinical testing. Allele origin: unknown.

Division of Human Genetics, Children's Hospital of Philadelphia
Classification: Uncertain significance for Dilated cardiomyopathy 1DD. Last evaluated: 2015-12-18. Review status: no assertion criteria provided. Collection method: research. Allele origin: paternal. Affected: yes. Study: CSER-PediSeq. Not counted in ClinVar's aggregate classification.

Literature cited by the submitters: PubMed 25351510 (cited by Mayo Clinic Laboratories, Mayo Clinic and Ambry Genetics); PubMed 30847666 (cited by 3 submitters).

NM_001134363.3(RBM20):c.2014G>A (p.Gly672Ser)

Gene: RBM20 (RNA binding motif protein 20; plus strand). Cytogenetic location: 10q25.2.
Variant type: single nucleotide variant.
Coding change: c.2014G>A on transcript NM_001134363.3 (MANE Select); coding-DNA position 2014, G replaced by A.
Protein change: p.Gly672Ser; replaces glycine 672 with serine.
Molecular consequence: missense variant.
Genome position (GRCh38, 1-based): chr10:110,812,411, G>A. VCF-style: chr10-110812411-G-A. GRCh37 (hg19) VCF-style: chr10-112572169-G-A.
Other names: p.G672S:GGC>AGC; p.Gly672Ser; c.2014G>A (LRG_382t1); short protein forms G672S.
Identifiers: ClinVar variation 180478 (VCV000180478.23), dbSNP rs730880182, ClinGen allele CA335553.
Genomic context (GRCh38, chr10:110,812,411, plus strand): 5'-TTCACCTCCTGCAGCTCTTCCCACAGCCCTCCGGGCCCCTCCCGGGCTGACTGGGGCAAT[G>A]GCCGGGACTCCTGGGAGCACTCTCCCTATGCCAGGAGGGAGGAAGAGCGAGACCCGGCTC-3'
Protein context (NP_001127835.2, residues 662-682): PGPSRADWGN[Gly672Ser]RDSWEHSPYA